The following is an entry in ClinVar:

ClinVar aggregate classification (germline): Conflicting classifications of pathogenicity. Review status: criteria provided, conflicting classifications (1 of 4 stars). 3 submissions from 3 submitters: Uncertain significance (2); Likely benign (1). Last evaluated 2024-03-05.

Conditions:
Hereditary cancer-predisposing syndrome. Also called: Neoplastic Syndromes, Hereditary; Tumor predisposition; Hereditary Cancer Syndrome; Hereditary neoplastic syndrome. Identifiers: Orphanet 140162, MedGen C0027672, MeSH D009386, MONDO:0015356.
Hereditary breast ovarian cancer syndrome. Also called: Hereditary breast and ovarian cancer syndrome; BRCA1- and BRCA2-Associated Hereditary Breast and Ovarian Cancer; Breast and ovarian cancer; Hereditary breast and/or ovarian cancer syndrome; Hereditary breast and ovarian cancer; Hereditary breast and ovarian cancer syndrome (HBOC). Identifiers: Orphanet 145, MedGen C0677776, MeSH D061325, MONDO:0003582. Disease mechanism: loss of function.

Submissions (3):

Labcorp Genetics (formerly Invitae), Labcorp
Classification: Uncertain significance for Hereditary breast ovarian cancer syndrome. Last evaluated: 2024-03-05. Review status: criteria provided, single submitter. Criteria: Invitae Variant Classification Sherloc (09022015). Collection method: clinical testing. Allele origin: germline.
Comment: This sequence change replaces glutamic acid, which is acidic and polar, with glutamine, which is neutral and polar, at codon 1288 of the BRCA1 protein (p.Glu1288Gln). This variant is not present in population databases (gnomAD no frequency). This variant has not been reported in the literature in individuals affected with BRCA1-related conditions. ClinVar contains an entry for this variant (Variation ID: 232341). Advanced modeling of protein sequence and biophysical properties (such as structural, functional, and spatial information, amino acid conservation, physicochemical variation, residue mobility, and thermodynamic stability) performed at Invitae indicates that this missense variant is not expected to disrupt BRCA1 protein function with a negative predictive value of 95%. In summary, the available evidence is currently insufficient to determine the role of this variant in disease. Therefore, it has been classified as a Variant of Uncertain Significance.

University of Washington Department of Laboratory Medicine, University of Washington
Classification: Likely benign for Hereditary cancer-predisposing syndrome. Last evaluated: 2023-03-23. Review status: criteria provided, single submitter. Criteria: Dines et al. (Genet Med. 2020). Collection method: curation. Allele origin: germline.
Comment: Missense variant in a coldspot region where missense variants are very unlikely to be pathogenic (PMID:31911673).

BRCA1 coldspot (exon 11 using historical exon numbering). Reclassification based on statistical prior probability

Ambry Genetics
Classification: Uncertain significance for Hereditary cancer-predisposing syndrome. Last evaluated: 2022-09-16. Review status: criteria provided, single submitter. Criteria: Ambry Variant Classification Scheme 2023. Collection method: clinical testing. Allele origin: germline.
Comment: The p.E1288Q variant (also known as c.3862G>C), located in coding exon 9 of the BRCA1 gene, results from a G to C substitution at nucleotide position 3862. The glutamic acid at codon 1288 is replaced by glutamine, an amino acid with highly similar properties. This amino acid position is not well conserved in available vertebrate species. In addition, the in silico prediction for this alteration is inconclusive. Since supporting evidence is limited at this time, the clinical significance of this alteration remains unclear.

NM_007294.4(BRCA1):c.3862G>C (p.Glu1288Gln)

Genes: BRCA1 (BRCA1 DNA repair associated; minus strand), LOC126862571 (BRD4-independent group 4 enhancer GRCh37_chr17:41243136-41244335; plus strand). Cytogenetic location: 17q21.31.
Variant type: single nucleotide variant.
Coding change: c.3862G>C on transcript NM_007294.4 (MANE Select); coding-DNA position 3862, G replaced by C.
Protein change: p.Glu1288Gln; replaces glutamic acid 1288 with glutamine.
Molecular consequence: missense variant. On other transcripts: intron variant (135).
Genome position (GRCh38, 1-based): chr17:43,091,669, C>G on the plus strand (G>C on the coding strand, the complement: BRCA1 is on the minus strand). VCF-style: chr17-43091669-C-G. GRCh37 (hg19) VCF-style: chr17-41243686-C-G.
Other names: c.3649G>C, p.Glu1217Gln (NM_001407571.1, NM_001407853.1, NM_001407894.1 and 9 more transcripts); c.3862G>C, p.Glu1288Gln (NM_001407581.1, NM_001407582.1, NM_001407583.1 and 30 more transcripts); c.3859G>C, p.Glu1287Gln (NM_001407587.1, NM_001407590.1, NM_001407591.1 and 22 more transcripts); c.3853G>C, p.Glu1285Gln (NM_001407646.1, NM_001407647.1); c.3739G>C, p.Glu1247Gln (NM_001407648.1, NM_001407664.1, NM_001407665.1 and 19 more transcripts); c.3736G>C, p.Glu1246Gln (NM_001407649.1, NM_001407670.1, NM_001407671.1 and 11 more transcripts); c.3784G>C, p.Glu1262Gln (NM_001407653.1, NM_001407654.1, NM_001407655.1 and 4 more transcripts); c.3781G>C, p.Glu1261Gln (NM_001407659.1, NM_001407660.1, NM_001407661.1 and 1 more transcripts); and 41 more; short protein forms E1288Q, E1241Q, E1160Q, E1220Q, E1247Q, E992Q, E1161Q, E1199Q.
Identifiers: ClinVar variation 232341 (VCV000232341.14), dbSNP rs876659708, ClinGen allele CA10580547.